The following is an entry in ClinVar:

NM_001042492.3(NF1):c.5812+6T>G

Gene: NF1 (neurofibromin 1; plus strand). Cytogenetic location: 17q11.2.
Variant type: single nucleotide variant.
Coding change: c.5812+6T>G on transcript NM_001042492.3 (MANE Select); 6 bases into the intron after coding-DNA position 5812, T replaced by G.
Molecular consequence: intron variant.
Genome position (GRCh38, 1-based): chr17:31,330,504, T>G. VCF-style: chr17-31330504-T-G. GRCh37 (hg19) VCF-style: chr17-29657522-T-G.
Other names: c.5749+6T>G (NM_000267.4).
Identifiers: ClinVar variation 450744 (VCV000450744.10), dbSNP rs1555533893, ClinGen allele CA658658555.

ClinVar aggregate classification (germline): Uncertain significance. Review status: criteria provided, multiple submitters, no conflicts (2 of 4 stars). 4 submissions from 4 submitters: Uncertain significance (4). Last evaluated 2022-12-23.

Conditions:
Neurofibromatosis, type 1 (NF1). Also called: VON RECKLINGHAUSEN DISEASE; Peripheral type neurofibromatosis; NEUROFIBROMATOSIS, TYPE I, SOMATIC; Neurofibromatosis, type I. Identifiers: Orphanet 636, MedGen C0027831, MONDO:0018975, OMIM 162200. Disease mechanism: loss of function.

Submissions (4):

Blueprint Genetics
Classification: Uncertain significance. Last evaluated: 2022-12-23. Review status: criteria provided, single submitter. Criteria: ACMG Guidelines, 2015. Collection method: clinical testing. Allele origin: germline.

Genome-Nilou Lab
Classification: Uncertain significance for Neurofibromatosis, type 1. Last evaluated: 2022-03-15. Review status: criteria provided, single submitter. Criteria: ACMG Guidelines, 2015. Collection method: clinical testing. Allele origin: germline. Affected: no.

Labcorp Genetics (formerly Invitae), Labcorp
Classification: Uncertain significance for Neurofibromatosis, type 1. Last evaluated: 2019-11-10. Review status: criteria provided, single submitter. Criteria: Invitae Variant Classification Sherloc (09022015). Collection method: clinical testing. Allele origin: germline.
Comment: In summary, the available evidence is currently insufficient to determine the role of this variant in disease. Therefore, it has been classified as a Variant of Uncertain Significance. Nucleotide substitutions within the consensus splice site are a relatively common cause of aberrant splicing (PMID: 17576681, 9536098). Algorithms developed to predict the effect of sequence changes on RNA splicing suggest that this variant may disrupt the consensus splice site, but this prediction has not been confirmed by published transcriptional studies. This variant has not been reported in the literature in individuals with NF1-related conditions. ClinVar contains an entry for this variant (Variation ID: 450744). This variant is not present in population databases (ExAC no frequency). This sequence change falls in intron 38 of the NF1 gene. It does not directly change the encoded amino acid sequence of the NF1 protein, but it affects a nucleotide within the consensus splice site of the intron.

GeneDx
Classification: Uncertain significance. Last evaluated: 2017-07-17. Review status: criteria provided, single submitter. Criteria: GeneDx Variant Classification (06012015). Collection method: clinical testing. Allele origin: germline. Affected: yes.
Comment: The c.5749+6 T>G variant has not been published as a pathogenic variant, nor has it been reported as a benign variant to our knowledge. The variant is not observed in large population cohorts (Lek et al., 2016; 1000 Genomes Consortium et al., 2015; Exome Variant Server). In-silico splice prediction models are inconsistent as to whether c.5749+6 T>G damages the natural splice donor site of exon 38. In the absence of RNA/functional studies, the actual effect of this sequence change in this individual is unknown. Therefore, based on the currently available information, it is unclear whether this variant is a pathogenic variant or a rare benign variant.

Literature cited by the submitters: PubMed 17576681 (cited by Labcorp Genetics (formerly Invitae), Labcorp); PubMed 9536098 (cited by Labcorp Genetics (formerly Invitae), Labcorp).